The following is an entry in ClinVar:

NM_000363.5(TNNI3):c.23C>G (p.Ala8Gly)

Gene: TNNI3 (troponin I3, cardiac type; minus strand). Cytogenetic location: 19q13.42.
Variant type: single nucleotide variant.
Coding change: c.23C>G on transcript NM_000363.5 (MANE Select); coding-DNA position 23, C replaced by G.
Protein change: p.Ala8Gly; replaces alanine 8 with glycine.
Molecular consequence: missense variant.
Genome position (GRCh38, 1-based): chr19:55,157,297, G>C on the plus strand (C>G on the coding strand, the complement: TNNI3 is on the minus strand). VCF-style: chr19-55157297-G-C. GRCh37 (hg19) VCF-style: chr19-55668665-G-C.
Other names: short protein forms A8G.
Identifiers: ClinVar variation 3075666 (VCV003075666.2), dbSNP rs770640091, ClinGen allele CA407443348.

ClinVar aggregate classification (germline): Uncertain significance (1 of 4 stars; one submission).

Conditions:
Dilated cardiomyopathy 1FF (CMD1FF). Identifiers: Orphanet 154, MedGen C2750091, MONDO:0013211, OMIM 613286.

Submission:

Regional Center For Medical Genetics Timis, Louis Turcanu Emergency Hospital for Children Timisoara
Classification: Uncertain significance for Dilated cardiomyopathy 1FF. Last evaluated: 2024-03-25. Review status: criteria provided, single submitter. Criteria: ACMG Guidelines, 2015. Collection method: research. Allele origin: germline. Affected: yes. Observed: 1 heterozygote.
Comment: The missense variant is not present in population databases (gnomAD v4.0.0 genomes and exomes). Multiple in silico predictions support benignity. The substituted amino acid is not conserved between species. In summary, the variant was classified as uncertain, according to ACMG guidelines.